The following is an entry in ClinVar:

ClinVar aggregate classification (germline): Benign/Likely benign. Review status: criteria provided, multiple submitters, no conflicts (2 of 4 stars). 6 submissions from 5 submitters: Benign (5); Likely benign (1). Last evaluated 2026-01-12.

Conditions:
Hereditary angioedema type 3 (HAE3). Also called: HAE WITH NORMAL C1 INHIBITOR CONCENTRATION AND FUNCTION; ANGIONEUROTIC EDEMA, HEREDITARY, WITH NORMAL C1 INHIBITOR CONCENTRATION AND FUNCTION; ESTROGEN-RELATED HAE; ESTROGEN-SENSITIVE HAE. Identifiers: Orphanet 100054, MedGen C1857728, MONDO:0012526, OMIM 610618.
Factor XII deficiency disease. Also called: F12 DEFICIENCY; HAF DEFICIENCY; Congenital factor XII deficiency; Reduced factor XII activity. Identifiers: Orphanet 330, MedGen C0015526, MONDO:0009315, OMIM 234000, HP:0004841.

Allele frequency attached by ClinVar (database versions not stated): gnomAD exomes 0.01335; ESP Exome Variant Server 0.01887; gnomAD 0.01977 and 0.01990; TOPMed 0.02115; ExAC 0.02262; 1000 Genomes Project 0.02756; 1000 Genomes Project 30x 0.02811.
gnomAD v4.1: 14,071 of 1,603,096 alleles (0.88%); highest among the groups gnomAD compares: African/African-American, 5.3%; 261 homozygotes.

Submissions (6):

Labcorp Genetics (formerly Invitae), Labcorp
Classification: Benign. Last evaluated: 2026-01-12. Review status: criteria provided, single submitter. Criteria: Invitae Variant Classification Sherloc (09022015). Collection method: clinical testing. Allele origin: germline.

Blueprint Genetics
Classification: Likely benign. Last evaluated: 2024-11-23. Review status: criteria provided, single submitter. Criteria: ACMG Guidelines, 2015. Collection method: clinical testing. Allele origin: germline.

Illumina Laboratory Services, Illumina
Classification: Benign for Factor XII deficiency disease. Last evaluated: 2018-01-13. Review status: criteria provided, single submitter. Criteria: ICSL Variant Classification Criteria 13 December 2019. Collection method: clinical testing. Allele origin: germline.
Comment: This variant was observed in the ICSL laboratory as part of a predisposition screen in an ostensibly healthy population. It had not been previously curated by ICSL or reported in the Human Gene Mutation Database (HGMD: prior to June 1st, 2018), and was therefore a candidate for classification through an automated scoring system. Utilizing variant allele frequency, disease prevalence and penetrance estimates, and inheritance mode, an automated score was calculated to assess if this variant is too frequent to cause the disease. Based on the score and internal cut-off values, a variant classified as benign is not then subjected to further curation. The score for this variant resulted in a classification of benign for this disease.

Illumina Laboratory Services, Illumina
Classification: Benign for Hereditary angioedema type 3. Last evaluated: 2018-01-13. Review status: criteria provided, single submitter. Criteria: ICSL Variant Classification Criteria 13 December 2019. Collection method: clinical testing. Allele origin: germline.
Comment: the same text as in the submission from Illumina Laboratory Services, Illumina above.

GeneDx
Classification: Benign. Last evaluated: 2015-03-03. Review status: criteria provided, single submitter. Criteria: GeneDx Variant Classification Process June 2021. Collection method: clinical testing. Allele origin: germline. Affected: yes.

CeMIA
Classification: Benign for Hereditary angioedema type 3. Review status: criteria provided, single submitter. Criteria: ACMG Guidelines, 2015. Collection method: clinical testing. Allele origin: germline. Affected: no. Observed: 9 variant alleles.
Comment: The synonymous variant c.756C>T, located in exon 8 of the F12 gene was detected in our cohort in 4 nC1-INH-HAE and 5 type I C1-INH-HAE patients. It has been detected in 1.389% alleles worldwide (gnomAD database) and its allele frequency is greater than that expected for FXII-HAE. The variant is reported as benign in ClinVar database in patients with FXII-HAE. Taking all the above into account and according to ACMG Guidelines (Criteria: BS1, BS2, BP5, BP6) the variant is considered benign.

NM_000505.4(F12):c.756C>T (p.Ala252=)

Gene: F12 (coagulation factor XII; minus strand). Cytogenetic location: 5q35.3.
Variant type: single nucleotide variant.
Coding change: c.756C>T on transcript NM_000505.4 (MANE Select); coding-DNA position 756, C replaced by T.
Protein change: p.Ala252=; no amino-acid change (alanine 252 retained).
Molecular consequence: synonymous variant.
Genome position (GRCh38, 1-based): chr5:177,404,543, G>A on the plus strand (C>T on the coding strand, the complement: F12 is on the minus strand). VCF-style: chr5-177404543-G-A. GRCh37 (hg19) VCF-style: chr5-176831544-G-A.
Identifiers: ClinVar variation 352998 (VCV000352998.17), dbSNP rs41309752, ClinGen allele CA3581400.